The following is an entry in ClinVar:

NM_018062.4(FANCL):c.454C>T (p.Leu152Phe)

Gene: FANCL (FA complementation group L; minus strand). Cytogenetic location: 2p16.1.
Variant type: single nucleotide variant.
Coding change: c.454C>T on transcript NM_018062.4 (MANE Select); coding-DNA position 454, C replaced by T.
Protein change: p.Leu152Phe; replaces leucine 152 with phenylalanine.
Molecular consequence: missense variant.
Genome position (GRCh38, 1-based): chr2:58,204,147, G>A on the plus strand (C>T on the coding strand, the complement: FANCL is on the minus strand). VCF-style: chr2-58204147-G-A. GRCh37 (hg19) VCF-style: chr2-58431282-G-A.
Other names: c.454C>T, p.Leu152Phe (NM_001114636.2, NM_001374615.1, NM_001410792.1); short protein forms L152F.
Identifiers: ClinVar variation 1996300 (VCV001996300.4), dbSNP rs2467183463, ClinGen allele CA347034051.

ClinVar aggregate classification (germline): Uncertain significance (1 of 4 stars; one submission).

Conditions:
Fanconi anemia (FA). Also called: Fanconi's anemia. Identifiers: Orphanet 84, MedGen C0015625, MeSH D005199, MONDO:0019391.

Submission:

Labcorp Genetics (formerly Invitae), Labcorp
Classification: Uncertain significance for Fanconi anemia. Last evaluated: 2022-05-19. Review status: criteria provided, single submitter. Criteria: Invitae Variant Classification Sherloc (09022015). Collection method: clinical testing. Allele origin: germline.
Comment: In summary, the available evidence is currently insufficient to determine the role of this variant in disease. Therefore, it has been classified as a Variant of Uncertain Significance. Algorithms developed to predict the effect of missense changes on protein structure and function are either unavailable or do not agree on the potential impact of this missense change (SIFT: "Deleterious"; PolyPhen-2: "Possibly Damaging"; Align-GVGD: "Class C0"). This variant has not been reported in the literature in individuals affected with FANCL-related conditions. This variant is not present in population databases (gnomAD no frequency). This sequence change replaces leucine, which is neutral and non-polar, with phenylalanine, which is neutral and non-polar, at codon 152 of the FANCL protein (p.Leu152Phe).